The following is an entry in ClinVar:

ClinVar aggregate classification (germline): Uncertain significance (1 of 4 stars; one submission).

Submission:

CeGaT Center for Human Genetics Tuebingen
Classification: Uncertain significance. Last evaluated: 2023-07-01. Review status: criteria provided, single submitter. Criteria: CeGaT Center For Human Genetics Tuebingen Variant Classification Criteria Version 2. Collection method: clinical testing. Allele origin: germline. Affected: yes. Observed: 2 variant alleles.
Comment: NLRP12: PM2

NM_144687.4(NLRP12):c.2216A>C (p.His739Pro)

Gene: NLRP12 (NLR family pyrin domain containing 12; minus strand). Cytogenetic location: 19q13.42.
Variant type: single nucleotide variant.
Coding change: c.2216A>C on transcript NM_144687.4 (MANE Select); coding-DNA position 2216, A replaced by C.
Protein change: p.His739Pro; replaces histidine 739 with proline.
Molecular consequence: missense variant.
Genome position (GRCh38, 1-based): chr19:53,807,522, T>G on the plus strand (A>C on the coding strand, the complement: NLRP12 is on the minus strand). VCF-style: chr19-53807522-T-G. GRCh37 (hg19) VCF-style: chr19-54310776-T-G.
Other names: c.2219A>C, p.His740Pro (NM_001277126.2); c.2216A>C, p.His739Pro (NM_001277129.1); short protein forms H739P, H740P.
Identifiers: ClinVar variation 1335363 (VCV001335363.35), dbSNP rs778376674, ClinGen allele CA407411189.